The following is an entry in ClinVar:

NM_003073.5(SMARCB1):c.-31C>T

Gene: SMARCB1 (SWI/SNF related BAF chromatin remodeling complex subunit B1; plus strand). Cytogenetic location: 22q11.23.
Variant type: single nucleotide variant.
Coding change: c.-31C>T on transcript NM_003073.5 (MANE Select); 31 bases upstream of the start codon, C replaced by T.
Molecular consequence: 5 prime UTR variant.
Genome position (GRCh38, 1-based): chr22:23,787,139, C>T. VCF-style: chr22-23787139-C-T. GRCh37 (hg19) VCF-style: chr22-24129326-C-T.
Other names: c.-31C>T (NM_001007468.3, NM_001317946.2, NM_001362877.2).
Identifiers: ClinVar variation 903044 (VCV000903044.6), dbSNP rs34276473, ClinGen allele CA10145802.

ClinVar aggregate classification (germline): Benign/Likely benign. Review status: criteria provided, multiple submitters, no conflicts (2 of 4 stars). 3 submissions from 2 submitters: Benign (2); Likely benign (1). Last evaluated 2018-06-22.

Conditions:
SMARCB1-related schwannomatosis. Also called: Schwannomatosis 1; SWNTS1. Identifiers: Orphanet 93921, MedGen C4048809, MONDO:0024517, OMIM 162091. Disease mechanism: loss of function.
Rhabdoid tumor predisposition syndrome 1 (RTPS1). Also called: Familial Posterior Fossa Brain Tumor of Infancy. Identifiers: Orphanet 231108, Orphanet 69077, MedGen C1836327, MONDO:0012252, OMIM 609322.

Allele frequency attached by ClinVar (database versions not stated): gnomAD exomes 0.00050 and 0.00124; ExAC 0.00155; 1000 Genomes Project 30x 0.00437; 1000 Genomes Project 0.00459; gnomAD 0.00499 and 0.00535; ESP Exome Variant Server 0.00534; TOPMed 0.00596.
gnomAD v4.1: 1,452 of 1,477,654 alleles (0.098%); highest among the groups gnomAD compares: African/African-American, 1.7%; 11 homozygotes.

Submissions (3):

GeneDx
Classification: Likely benign. Last evaluated: 2018-06-22. Review status: criteria provided, single submitter. Criteria: GeneDx Variant Classification Process June 2021. Collection method: clinical testing. Allele origin: germline. Affected: yes.

Illumina Laboratory Services, Illumina
Classification: Benign for Rhabdoid tumor predisposition syndrome 1. Last evaluated: 2018-01-12. Review status: criteria provided, single submitter. Criteria: ICSL Variant Classification Criteria 13 December 2019. Collection method: clinical testing. Allele origin: germline.
Comment: This variant was observed in the ICSL laboratory as part of a predisposition screen in an ostensibly healthy population. It had not been previously curated by ICSL or reported in the Human Gene Mutation Database (HGMD: prior to June 1st, 2018), and was therefore a candidate for classification through an automated scoring system. Utilizing variant allele frequency, disease prevalence and penetrance estimates, and inheritance mode, an automated score was calculated to assess if this variant is too frequent to cause the disease. Based on the score and internal cut-off values, a variant classified as benign is not then subjected to further curation. The score for this variant resulted in a classification of benign for this disease.

Illumina Laboratory Services, Illumina
Classification: Benign for SMARCB1-related schwannomatosis. Last evaluated: 2018-01-12. Review status: criteria provided, single submitter. Criteria: ICSL Variant Classification Criteria 13 December 2019. Collection method: clinical testing. Allele origin: germline.
Comment: the same text as in the submission from Illumina Laboratory Services, Illumina above.